The following is an entry in ClinVar:

ClinVar aggregate classification (germline): Likely benign. Review status: criteria provided, multiple submitters, no conflicts (2 of 4 stars). 3 submissions from 3 submitters: Likely benign (3). Last evaluated 2025-11-17.

Allele frequency attached by ClinVar (database versions not stated): gnomAD exomes 0.00004 and 0.00008; ExAC 0.00007; 1000 Genomes Project 30x 0.00016; 1000 Genomes Project 0.00020; ESP Exome Variant Server 0.00031; gnomAD 0.00033 and 0.00036; TOPMed 0.00035.
gnomAD v4.1: 110 of 1,613,962 alleles (0.0068%); highest among the groups gnomAD compares: African/African-American, 0.097%; no homozygotes.

Submissions (3):

Labcorp Genetics (formerly Invitae), Labcorp
Classification: Likely benign. Last evaluated: 2025-11-17. Review status: criteria provided, single submitter. Criteria: Invitae Variant Classification Sherloc (09022015). Collection method: clinical testing. Allele origin: germline.

Blueprint Genetics
Classification: Likely benign. Last evaluated: 2024-08-12. Review status: criteria provided, single submitter. Criteria: ACMG Guidelines, 2015. Collection method: clinical testing. Allele origin: germline.

GeneDx
Classification: Likely benign. Last evaluated: 2018-03-05. Review status: criteria provided, single submitter. Criteria: GeneDx Variant Classification (06012015). Collection method: clinical testing. Allele origin: germline. Affected: yes.
Comment: This variant is considered likely benign or benign based on one or more of the following criteria: it is a conservative change, it occurs at a poorly conserved position in the protein, it is predicted to be benign by multiple in silico algorithms, and/or has population frequency not consistent with disease.

NM_017909.4(RMND1):c.582C>T (p.His194=)

Gene: RMND1 (required for meiotic nuclear division 1 homolog; minus strand). Cytogenetic location: 6q25.1.
Variant type: single nucleotide variant.
Coding change: c.582C>T on transcript NM_017909.4 (MANE Select); coding-DNA position 582, C replaced by T.
Protein change: p.His194=; no amino-acid change (histidine 194 retained).
Molecular consequence: synonymous variant.
Genome position (GRCh38, 1-based): chr6:151,436,477, G>A on the plus strand (C>T on the coding strand, the complement: RMND1 is on the minus strand). VCF-style: chr6-151436477-G-A. GRCh37 (hg19) VCF-style: chr6-151757612-G-A.
Other names: c.72C>T, p.His24= (NM_001271937.2).
Identifiers: ClinVar variation 515625 (VCV000515625.10), dbSNP rs147935755, ClinGen allele CA4050991.